The following is an entry in ClinVar:

NM_001376.5(DYNC1H1):c.10970G>T (p.Gly3657Val)

Gene: DYNC1H1 (dynein cytoplasmic 1 heavy chain 1; plus strand). Cytogenetic location: 14q32.31.
Variant type: single nucleotide variant.
Coding change: c.10970G>T on transcript NM_001376.5 (MANE Select); coding-DNA position 10970, G replaced by T.
Protein change: p.Gly3657Val; replaces glycine 3657 with valine.
Molecular consequence: missense variant.
Genome position (GRCh38, 1-based): chr14:102,038,521, G>T. VCF-style: chr14-102038521-G-T. GRCh37 (hg19) VCF-style: chr14-102504858-G-T.
Other names: short protein forms G3657V.
Identifiers: ClinVar variation 3604416 (VCV003604416.8).
Genomic context (GRCh38, chr14:102,038,521, plus strand): 5'-ATGTGGAAAGCTACGATCCAGTTTTGAACCCGGTGCTGAACCGTGAAGTGCGGCGAACAG[G>T]GGGGAGAGTGCTGATCACTCTCGGGGACCAGGACATAGACCTGTCGCCATCGTTTGTCAT-3'
Protein context (NP_001367.2, residues 3647-3667): PVLNREVRRT[Gly3657Val]GRVLITLGDQ

ClinVar aggregate classification (germline): Uncertain significance. Review status: criteria provided, multiple submitters, no conflicts (2 of 4 stars). 2 submissions from 2 submitters: Uncertain significance (2). Last evaluated 2025-12-28.

Conditions:
Charcot-Marie-Tooth disease axonal type 2O. Also called: CHARCOT-MARIE-TOOTH NEUROPATHY, AXONAL, TYPE 2O; CHARCOT-MARIE-TOOTH DISEASE, AXONAL, AUTOSOMAL DOMINANT, TYPE 2O; Charcot-Marie-Tooth Neuropathy Type 2O; Charcot-Marie-Tooth disease, axonal, type 20. Identifiers: Orphanet 284232, MedGen C3280220, MONDO:0013644, OMIM 614228.

gnomAD v4.1: 3 of 1,614,172 alleles (0.00019%); highest among the groups gnomAD compares: Non-Finnish European, 0.00025%; no homozygotes.

Submissions (2):

Labcorp Genetics (formerly Invitae), Labcorp
Classification: Uncertain significance for Charcot-Marie-Tooth disease axonal type 2O. Last evaluated: 2025-12-28. Review status: criteria provided, single submitter. Criteria: Invitae Variant Classification Sherloc (09022015). Collection method: clinical testing. Allele origin: germline.
Comment: This sequence change replaces glycine, which is neutral and non-polar, with valine, which is neutral and non-polar, at codon 3657 of the DYNC1H1 protein (p.Gly3657Val). This variant is present in population databases (rs761427653, gnomAD 0.002%). This variant has not been reported in the literature in individuals affected with DYNC1H1-related conditions. ClinVar contains an entry for this variant (Variation ID: 3604416). Invitae Evidence Modeling of protein sequence and biophysical properties (such as structural, functional, and spatial information, amino acid conservation, physicochemical variation, residue mobility, and thermodynamic stability) indicates that this missense variant is expected to disrupt DYNC1H1 protein function with a positive predictive value of 95%. In summary, the available evidence is currently insufficient to determine the role of this variant in disease. Therefore, it has been classified as a Variant of Uncertain Significance.

CeGaT Center for Human Genetics Tuebingen
Classification: Uncertain significance. Last evaluated: 2025-11-01. Review status: criteria provided, single submitter. Criteria: CeGaT Center For Human Genetics Tuebingen Variant Classification Criteria Version 2. Collection method: clinical testing. Allele origin: germline. Affected: yes. Observed: 1 variant allele.
Comment: DYNC1H1: PP2, BP5